The following is an entry in ClinVar:

NM_152415.3(VPS37A):c.737A>T (p.Asn246Ile)

Gene: VPS37A (VPS37A subunit of ESCRT-I; plus strand). Cytogenetic location: 8p22.
Variant type: single nucleotide variant.
Coding change: c.737A>T on transcript NM_152415.3 (MANE Select); coding-DNA position 737, A replaced by T.
Protein change: p.Asn246Ile; replaces asparagine 246 with isoleucine.
Molecular consequence: missense variant.
Genome position (GRCh38, 1-based): chr8:17,280,051, A>T. VCF-style: chr8-17280051-A-T. GRCh37 (hg19) VCF-style: chr8-17137560-A-T.
Other names: c.662A>T, p.Asn221Ile (NM_001145152.2); c.737A>T, p.Asn246Ile (NM_001363167.1, NM_001363173.2); c.467A>T, p.Asn156Ile (NM_001363168.1, NM_001363169.1, NM_001363170.1 and 2 more transcripts); short protein forms N221I, N156I, N246I.
Identifiers: ClinVar variation 2829537 (VCV002829537.3), dbSNP rs2487016907, ClinGen allele CA370402644.

ClinVar aggregate classification (germline): Uncertain significance (1 of 4 stars; one submission).

Conditions:
Hereditary spastic paraplegia 53. Also called: Spastic paraplegia 53, autosomal recessive. Identifiers: Orphanet 319199, MedGen C3539494, MONDO:0013962, OMIM 614898.

Submission:

Labcorp Genetics (formerly Invitae), Labcorp
Classification: Uncertain significance for Hereditary spastic paraplegia 53. Last evaluated: 2023-10-13. Review status: criteria provided, single submitter. Criteria: Invitae Variant Classification Sherloc (09022015). Collection method: clinical testing. Allele origin: germline.
Comment: This sequence change replaces asparagine, which is neutral and polar, with isoleucine, which is neutral and non-polar, at codon 246 of the VPS37A protein (p.Asn246Ile). This variant is not present in population databases (gnomAD no frequency). This variant has not been reported in the literature in individuals affected with VPS37A-related conditions. Advanced modeling of protein sequence and biophysical properties (such as structural, functional, and spatial information, amino acid conservation, physicochemical variation, residue mobility, and thermodynamic stability) performed at Invitae indicates that this missense variant is not expected to disrupt VPS37A protein function. In summary, the available evidence is currently insufficient to determine the role of this variant in disease. Therefore, it has been classified as a Variant of Uncertain Significance.